The following is an entry in ClinVar:

ClinVar aggregate classification (germline): Uncertain significance. Review status: criteria provided, multiple submitters, no conflicts (2 of 4 stars). 2 submissions from 2 submitters: Uncertain significance (2). Last evaluated 2025-08-04.

Conditions:
Mitochondrial complex II deficiency, nuclear type 1. Also called: SUCCINATE CoQ REDUCTASE DEFICIENCY. Identifiers: Orphanet 3208, MedGen C5700310, MONDO:0100294, OMIM 252011.
Pheochromocytoma/paraganglioma syndrome 5. Also called: Paragangliomas 5; SDHA-Related Hereditary Paraganglioma-Pheochromocytoma Syndrome. Identifiers: Orphanet 29072, MedGen C3279992, MONDO:0013602, OMIM 614165.
Hereditary cancer-predisposing syndrome. Also called: Hereditary Cancer Syndrome; Hereditary neoplastic syndrome; Neoplastic Syndromes, Hereditary; Tumor predisposition. Identifiers: Orphanet 140162, MedGen C0027672, MeSH D009386, MONDO:0015356.

Submissions (2):

Labcorp Genetics (formerly Invitae), Labcorp
Classification: Uncertain significance for Pheochromocytoma/paraganglioma syndrome 5; Mitochondrial complex II deficiency, nuclear type 1. Last evaluated: 2025-08-04. Review status: criteria provided, single submitter. Criteria: Invitae Variant Classification Sherloc (09022015). Collection method: clinical testing. Allele origin: germline.
Comment: This sequence change replaces threonine, which is neutral and polar, with isoleucine, which is neutral and non-polar, at codon 298 of the SDHA protein (p.Thr298Ile). This variant is not present in population databases (gnomAD no frequency). This variant has not been reported in the literature in individuals affected with SDHA-related conditions. ClinVar contains an entry for this variant (Variation ID: 1765185). An algorithm developed to predict the effect of missense changes on protein structure and function (PolyPhen-2) suggests that this variant is likely to be disruptive. Studies have shown that this missense change is associated with inconclusive levels of altered splicing (internal data). In summary, the available evidence is currently insufficient to determine the role of this variant in disease. Therefore, it has been classified as a Variant of Uncertain Significance.

Ambry Genetics
Classification: Uncertain significance for Hereditary cancer-predisposing syndrome. Last evaluated: 2025-04-08. Review status: criteria provided, single submitter. Criteria: Ambry Variant Classification Scheme 2023. Collection method: clinical testing. Allele origin: germline.
Comment: The p.T298I variant (also known as c.893C>T), located in coding exon 7 of the SDHA gene, results from a C to T substitution at nucleotide position 893. The threonine at codon 298 is replaced by isoleucine, an amino acid with similar properties. This amino acid position is well conserved in available vertebrate species. In addition, this alteration is predicted to be deleterious by in silico analysis. Based on the available evidence, the clinical significance of this variant remains unclear.

NM_004168.4(SDHA):c.893C>T (p.Thr298Ile)

Gene: SDHA (succinate dehydrogenase complex flavoprotein subunit A; plus strand). Cytogenetic location: 5p15.33.
Variant type: single nucleotide variant.
Coding change: c.893C>T on transcript NM_004168.4 (MANE Select); coding-DNA position 893, C replaced by T.
Protein change: p.Thr298Ile; replaces threonine 298 with isoleucine.
Molecular consequence: missense variant.
Genome position (GRCh38, 1-based): chr5:230,998, C>T. VCF-style: chr5-230998-C-T. GRCh37 (hg19) VCF-style: chr5-231113-C-T.
Other names: c.749C>T, p.Thr250Ile (NM_001294332.2); c.893C>T, p.Thr298Ile (NM_001330758.2); short protein forms T250I, T298I.
Identifiers: ClinVar variation 1765185 (VCV001765185.4), dbSNP rs2477333625, ClinGen allele CA359012104.